The following is an entry in ClinVar:

ClinVar aggregate classification (germline): Uncertain significance (1 of 4 stars; one submission).

Conditions:
Succinate-semialdehyde dehydrogenase deficiency (SSADHD). Also called: Succinic Semialdehyde Dehydrogenase Deficiency; 4-HYDROXYBUTYRIC ACIDURIA; GABA METABOLIC DEFECT; SSADH DEFICIENCY. Identifiers: Orphanet 22, MedGen C0268631, MONDO:0010083, OMIM 271980.

Submission:

Labcorp Genetics (formerly Invitae), Labcorp
Classification: Uncertain significance for Succinate-semialdehyde dehydrogenase deficiency. Last evaluated: 2023-07-23. Review status: criteria provided, single submitter. Criteria: Invitae Variant Classification Sherloc (09022015). Collection method: clinical testing. Allele origin: germline.
Comment: In summary, the available evidence is currently insufficient to determine the role of this variant in disease. Therefore, it has been classified as a Variant of Uncertain Significance. This sequence change replaces arginine, which is basic and polar, with methionine, which is neutral and non-polar, at codon 334 of the ALDH5A1 protein (p.Arg334Met). This variant is not present in population databases (gnomAD no frequency). This variant has not been reported in the literature in individuals affected with ALDH5A1-related conditions. Advanced modeling of protein sequence and biophysical properties (such as structural, functional, and spatial information, amino acid conservation, physicochemical variation, residue mobility, and thermodynamic stability) performed at Invitae indicates that this missense variant is not expected to disrupt ALDH5A1 protein function.

NM_001080.3(ALDH5A1):c.1001G>T (p.Arg334Met)

Gene: ALDH5A1 (aldehyde dehydrogenase 5 family member A1; plus strand). Cytogenetic location: 6p22.3.
Variant type: single nucleotide variant.
Coding change: c.1001G>T on transcript NM_001080.3 (MANE Select); coding-DNA position 1001, G replaced by T.
Protein change: p.Arg334Met; replaces arginine 334 with methionine.
Molecular consequence: missense variant.
Genome position (GRCh38, 1-based): chr6:24,520,531, G>T. VCF-style: chr6-24520531-G-T. GRCh37 (hg19) VCF-style: chr6-24520759-G-T.
Other names: c.857G>T, p.Arg286Met (NM_001368954.1); c.1040G>T, p.Arg347Met (NM_170740.1); short protein forms R334M, R347M, R286M.
Identifiers: ClinVar variation 2743352 (VCV002743352.3), dbSNP rs2532863465, ClinGen allele CA362974604.
Genomic context (GRCh38, chr6:24,520,531, plus strand): 5'-TAGTATTTGACAGTGCCAACGTGGACCAGGCTGTAGCAGGGGCCATGGCATCTAAATTTA[G>T]GAACACTGGACAGGTGAGTCCTGGAGAGTATTTCAGGATGTGTGTTTGCGTGTGCATGTG-3'
Protein context (NP_001071.1, residues 324-344): AVAGAMASKF[Arg334Met]NTGQTCVCSN